The following is an entry in ClinVar:

NM_001035.3(RYR2):c.14219C>G (p.Ala4740Gly)

Gene: RYR2 (ryanodine receptor 2; plus strand). Cytogenetic location: 1q43.
Variant type: single nucleotide variant.
Coding change: c.14219C>G on transcript NM_001035.3 (MANE Select); coding-DNA position 14219, C replaced by G.
Protein change: p.Ala4740Gly; replaces alanine 4740 with glycine.
Molecular consequence: missense variant.
Genome position (GRCh38, 1-based): chr1:237,806,204, C>G. VCF-style: chr1-237806204-C-G. GRCh37 (hg19) VCF-style: chr1-237969504-C-G.
Other names: short protein forms A4740G.
Identifiers: ClinVar variation 1772263 (VCV001772263.2), dbSNP rs2528137742, ClinGen allele CA345422994.

ClinVar aggregate classification (germline): Uncertain significance (1 of 4 stars; one submission).

Conditions:
Cardiovascular phenotype. Identifiers: MedGen CN230736.

Submission:

Ambry Genetics
Classification: Uncertain significance for Cardiovascular phenotype. Last evaluated: 2021-05-26. Review status: criteria provided, single submitter. Criteria: Ambry Variant Classification Scheme 2023. Collection method: clinical testing. Allele origin: germline.
Comment: The p.A4740G variant (also known as c.14219C>G), located in coding exon 99 of the RYR2 gene, results from a C to G substitution at nucleotide position 14219. The alanine at codon 4740 is replaced by glycine, an amino acid with similar properties. This amino acid position is highly conserved in available vertebrate species. In addition, this alteration is predicted to be deleterious by in silico analysis. Since supporting evidence is limited at this time, the clinical significance of this alteration remains unclear.